The following is an entry in ClinVar:

NM_004006.3(DMD):c.9767G>A (p.Gly3256Asp)

Gene: DMD (dystrophin; minus strand). Cytogenetic location: Xp21.2.
Variant type: single nucleotide variant.
Coding change: c.9767G>A on transcript NM_004006.3 (MANE Select); coding-DNA position 9767, G replaced by A.
Protein change: p.Gly3256Asp; replaces glycine 3256 with aspartic acid.
Molecular consequence: missense variant.
Genome position (GRCh38, 1-based): chrX:31,204,001, C>T on the plus strand (G>A on the coding strand, the complement: DMD is on the minus strand). VCF-style: chrX-31204001-C-T. GRCh37 (hg19) VCF-style: chrX-31222118-C-T.
Other names: c.9767G>A (NM_004006.2); c.9743G>A, p.Gly3248Asp (NM_000109.4); c.9755G>A, p.Gly3252Asp (NM_004009.3); c.9398G>A, p.Gly3133Asp (NM_004010.3); c.5744G>A, p.Gly1915Asp (NM_004011.4); c.5735G>A, p.Gly1912Asp (NM_004012.4); c.2387G>A, p.Gly796Asp (NM_004013.3, NM_004020.4, NM_004021.3 and 2 more transcripts); c.1580G>A, p.Gly527Asp (NM_004014.3); and 1 more; short protein forms G1915D, G3252D, G3256D, G796D, G3133D, G527D, G3248D, G188D.
Identifiers: ClinVar variation 1488676 (VCV001488676.7), dbSNP rs2148540693, ClinGen allele CA412648439.
Genomic context (GRCh38, chrX:31,204,001, plus strand): 5'-CTAGAAGGTGAATAACTTACAAATTGGAAGCAGCTCCGGACACTTGGCTCAATGTTACTG[C>T]CCCCAAAGGATGCAACTTCACCCAACTGTCTTGGAATTTGGATAGAATCATGCAGAAGGA-3'
Protein context (NP_003997.2, residues 3246-3266): RQLGEVASFG[Gly3256Asp]SNIEPSVRSC

ClinVar aggregate classification (germline): Uncertain significance. Review status: criteria provided, multiple submitters, no conflicts (2 of 4 stars). 2 submissions from 2 submitters: Uncertain significance (2). Last evaluated 2026-03-20.

Conditions:
Duchenne muscular dystrophy (DMD). Also called: Duchenne Muscular Dystrophy (DMD); MUSCULAR DYSTROPHY, PSEUDOHYPERTROPHIC PROGRESSIVE, DUCHENNE TYPE. Identifiers: Orphanet 98896, MedGen C0013264, MONDO:0010679, OMIM 310200.

Submissions (2):

GeneDx
Classification: Uncertain significance. Last evaluated: 2026-03-20. Review status: criteria provided, single submitter. Criteria: GeneDx Variant Classification Process June 2021. Collection method: clinical testing. Allele origin: germline.
Comment: Not observed at significant frequency in large population cohorts (gnomAD); In silico analysis supports that this missense variant has a deleterious effect on protein structure/function; Missense variant in a gene in which most reported pathogenic variants are truncating/loss of function; Has not been previously published as pathogenic or benign to our knowledge.

Labcorp Genetics (formerly Invitae), Labcorp
Classification: Uncertain significance for Duchenne muscular dystrophy. Last evaluated: 2021-11-13. Review status: criteria provided, single submitter. Criteria: Invitae Variant Classification Sherloc (09022015). Collection method: clinical testing. Allele origin: germline.
Comment: In summary, the available evidence is currently insufficient to determine the role of this variant in disease. Therefore, it has been classified as a Variant of Uncertain Significance. Algorithms developed to predict the effect of missense changes on protein structure and function (SIFT, PolyPhen-2, Align-GVGD) all suggest that this variant is likely to be disruptive. This variant has not been reported in the literature in individuals affected with DMD-related conditions. This variant is not present in population databases (gnomAD no frequency). This sequence change replaces glycine, which is neutral and non-polar, with aspartic acid, which is acidic and polar, at codon 3256 of the DMD protein (p.Gly3256Asp).